The following is an entry in ClinVar:

ClinVar aggregate classification (germline): Uncertain significance. Review status: criteria provided, multiple submitters, no conflicts (2 of 4 stars). 3 submissions from 3 submitters: Uncertain significance (3). Last evaluated 2025-06-07.

Conditions:
Inborn genetic diseases. Identifiers: MedGen C0950123, MeSH D030342.

Allele frequency attached by ClinVar (database versions not stated): ExAC 0.00001; gnomAD exomes 0.00001.
gnomAD v4.1: 12 of 1,614,160 alleles (0.00074%); highest among the groups gnomAD compares: Non-Finnish European, 0.001%; no homozygotes.

Submissions (3):

Ambry Genetics
Classification: Uncertain significance for Inborn genetic diseases. Last evaluated: 2025-06-07. Review status: criteria provided, single submitter. Criteria: Ambry Variant Classification Scheme 2023. Collection method: clinical testing. Allele origin: germline.

Labcorp Genetics (formerly Invitae), Labcorp
Classification: Uncertain significance. Last evaluated: 2023-06-01. Review status: criteria provided, single submitter. Criteria: Invitae Variant Classification Sherloc (09022015). Collection method: clinical testing. Allele origin: germline.
Comment: This sequence change replaces isoleucine, which is neutral and non-polar, with valine, which is neutral and non-polar, at codon 1465 of the CACNA1D protein (p.Ile1465Val). In summary, the available evidence is currently insufficient to determine the role of this variant in disease. Therefore, it has been classified as a Variant of Uncertain Significance. Advanced modeling of protein sequence and biophysical properties (such as structural, functional, and spatial information, amino acid conservation, physicochemical variation, residue mobility, and thermodynamic stability) performed at Invitae indicates that this missense variant is not expected to disrupt CACNA1D protein function. This variant has not been reported in the literature in individuals affected with CACNA1D-related conditions. This variant is present in population databases (rs766268857, gnomAD 0.0009%).

GeneDx
Classification: Uncertain significance. Last evaluated: 2023-03-27. Review status: criteria provided, single submitter. Criteria: GeneDx Variant Classification Process June 2021. Collection method: clinical testing. Allele origin: germline. Affected: yes.
Comment: Not observed at significant frequency in large population cohorts (gnomAD); In silico analysis supports that this missense variant does not alter protein structure/function; Has not been previously published as pathogenic or benign to our knowledge

NM_001128840.3(CACNA1D):c.4333A>G (p.Ile1445Val)

Gene: CACNA1D (calcium voltage-gated channel subunit alpha1 D; plus strand). Cytogenetic location: 3p21.1.
Variant type: single nucleotide variant.
Coding change: c.4333A>G on transcript NM_001128840.3 (MANE Select); coding-DNA position 4333, A replaced by G.
Protein change: p.Ile1445Val; replaces isoleucine 1445 with valine.
Molecular consequence: missense variant.
Genome position (GRCh38, 1-based): chr3:53,776,016, A>G. VCF-style: chr3-53776016-A-G. GRCh37 (hg19) VCF-style: chr3-53810043-A-G.
Other names: c.4393A>G, p.Ile1465Val (NM_000720.4); c.4288A>G, p.Ile1430Val (NM_001128839.3); short protein forms I1430V, I1445V, I1465V.
Identifiers: ClinVar variation 2582074 (VCV002582074.5), dbSNP rs766268857, ClinGen allele CA2454857.